The following is an entry in ClinVar:

NM_001330311.2(DVL1):c.1027C>T (p.Pro343Ser)

Gene: DVL1 (dishevelled segment polarity protein 1; minus strand). Cytogenetic location: 1p36.33.
Variant type: single nucleotide variant.
Coding change: c.1027C>T on transcript NM_001330311.2 (MANE Select); coding-DNA position 1027, C replaced by T.
Protein change: p.Pro343Ser; replaces proline 343 with serine.
Molecular consequence: missense variant.
Genome position (GRCh38, 1-based): chr1:1,339,609, G>A on the plus strand (C>T on the coding strand, the complement: DVL1 is on the minus strand). VCF-style: chr1-1339609-G-A. GRCh37 (hg19) VCF-style: chr1-1274989-G-A.
Other names: c.1027C>T, p.Pro343Ser (NM_004421.3); short protein forms P343S.
Identifiers: ClinVar variation 1021962 (VCV001021962.9), dbSNP rs889149726, ClinGen allele CA16756528.

ClinVar aggregate classification (germline): Likely benign. Review status: criteria provided, multiple submitters, no conflicts (2 of 4 stars). 2 submissions from 2 submitters: Likely benign (2). Last evaluated 2026-02-10.

Allele frequency attached by ClinVar (database versions not stated): gnomAD exomes 0.00002 and 0.00003; gnomAD 0.00009 and 0.00012; TOPMed 0.00026.
gnomAD v4.1: 32 of 1,607,544 alleles (0.002%); highest among the groups gnomAD compares: Admixed American, 0.043%; no homozygotes.

Submissions (2):

Women's Health and Genetics/Laboratory Corporation of America, LabCorp
Classification: Likely benign. Last evaluated: 2026-02-10. Review status: criteria provided, single submitter. Criteria: LabCorp Variant Classification Summary - May 2015. Collection method: clinical testing. Allele origin: germline.
Comment: Variant summary: DVL1 c.1027C>T (p.Pro343Ser) results in a non-conservative amino acid change in the encoded protein sequence. Algorithms developed to predict the effect of missense changes on protein structure and function are either unavailable or do not agree on the potential impact of this missense change. The variant allele was found at a frequency of 2.8e-05 in 246360 control chromosomes (gnomAD). To our knowledge, no occurrence of c.1027C>T in individuals affected with DVL1-related conditions and no experimental evidence demonstrating its impact on protein function have been reported. ClinVar contains an entry for this variant (Variation ID: 1021962). Based on the evidence outlined above, the variant was classified as likely benign.

Labcorp Genetics (formerly Invitae), Labcorp
Classification: Likely benign. Last evaluated: 2025-11-17. Review status: criteria provided, single submitter. Criteria: Invitae Variant Classification Sherloc (09022015). Collection method: clinical testing. Allele origin: germline.